The following is an entry in ClinVar:

ClinVar aggregate classification (germline): Uncertain significance. Review status: criteria provided, multiple submitters, no conflicts (2 of 4 stars). 3 submissions from 3 submitters: Uncertain significance (3). Last evaluated 2024-06-11.

Conditions:
Inborn genetic diseases. Identifiers: MedGen C0950123, MeSH D030342.
Netherton syndrome (NETH). Also called: NETHERTON DISEASE; ERYTHRODERMA, ICHTHYOSIFORM, WITH HYPOTRICHOSIS AND HYPER-IgE; COMEL-NETHERTON SYNDROME. Identifiers: Orphanet 634, MedGen C5574950, MONDO:0009735, OMIM 256500.

Allele frequency attached by ClinVar (database versions not stated): TOPMed 0.00002; 1000 Genomes Project 30x 0.00016; 1000 Genomes Project 0.00020.
gnomAD v4.1: 95 of 1,611,754 alleles (0.0059%); highest among the groups gnomAD compares: East Asian, 0.17%; 1 homozygote.

Submissions (3):

Ambry Genetics
Classification: Uncertain significance for Inborn genetic diseases. Last evaluated: 2024-06-11. Review status: criteria provided, single submitter. Criteria: Ambry Variant Classification Scheme 2023. Collection method: clinical testing. Allele origin: germline.

Labcorp Genetics (formerly Invitae), Labcorp
Classification: Uncertain significance for Ichthyosis linearis circumflexa. Last evaluated: 2022-05-10. Review status: criteria provided, single submitter. Criteria: Invitae Variant Classification Sherloc (09022015). Collection method: clinical testing. Allele origin: germline.
Comment: This sequence change replaces arginine, which is basic and polar, with tryptophan, which is neutral and slightly polar, at codon 165 of the SPINK5 protein (p.Arg165Trp). This variant is present in population databases (rs192473184, gnomAD 0.01%). This variant has not been reported in the literature in individuals affected with SPINK5-related conditions. ClinVar contains an entry for this variant (Variation ID: 906433). Algorithms developed to predict the effect of missense changes on protein structure and function are either unavailable or do not agree on the potential impact of this missense change (SIFT: "Deleterious"; PolyPhen-2: "Probably Damaging"; Align-GVGD: "Class C0"). In summary, the available evidence is currently insufficient to determine the role of this variant in disease. Therefore, it has been classified as a Variant of Uncertain Significance.

Illumina Laboratory Services, Illumina
Classification: Uncertain significance for Netherton syndrome. Last evaluated: 2018-01-13. Review status: criteria provided, single submitter. Criteria: ICSL Variant Classification Criteria 13 December 2019. Collection method: clinical testing. Allele origin: germline.

NM_006846.4(SPINK5):c.493C>T (p.Arg165Trp)

Gene: SPINK5 (serine peptidase inhibitor Kazal type 5; plus strand). Cytogenetic location: 5q32.
Variant type: single nucleotide variant.
Coding change: c.493C>T on transcript NM_006846.4 (MANE Select); coding-DNA position 493, C replaced by T.
Protein change: p.Arg165Trp; replaces arginine 165 with tryptophan.
Molecular consequence: missense variant.
Genome position (GRCh38, 1-based): chr5:148,089,512, C>T. VCF-style: chr5-148089512-C-T. GRCh37 (hg19) VCF-style: chr5-147469075-C-T.
Other names: c.493C>T, p.Arg165Trp (NM_001127698.2, NM_001127699.2); short protein forms R165W.
Identifiers: ClinVar variation 906433 (VCV000906433.13), dbSNP rs192473184, ClinGen allele CA3495251.